The following is an entry in ClinVar:

NM_015338.6(ASXL1):c.3288G>T (p.Met1096Ile)

Gene: ASXL1 (ASXL transcriptional regulator 1; plus strand). Cytogenetic location: 20q11.21.
Variant type: single nucleotide variant.
Coding change: c.3288G>T on transcript NM_015338.6 (MANE Select); coding-DNA position 3288, G replaced by T.
Protein change: p.Met1096Ile; replaces methionine 1096 with isoleucine.
Molecular consequence: missense variant.
Genome position (GRCh38, 1-based): chr20:32,436,000, G>T. VCF-style: chr20-32436000-G-T. GRCh37 (hg19) VCF-style: chr20-31023803-G-T.
Other names: c.3105G>T, p.Met1035Ile (NM_001363734.1); short protein forms M1035I, M1096I.
Identifiers: ClinVar variation 3793295 (VCV003793295.1).

ClinVar aggregate classification (germline): Uncertain significance (1 of 4 stars; one submission).

Conditions:
Inborn genetic diseases. Identifiers: MedGen C0950123, MeSH D030342.

Submission:

Ambry Genetics
Classification: Uncertain significance for Inborn genetic diseases. Last evaluated: 2025-02-08. Review status: criteria provided, single submitter. Criteria: Ambry Variant Classification Scheme 2023. Collection method: clinical testing. Allele origin: germline.
Comment: The p.M1096I variant (also known as c.3288G>T), located in coding exon 13 of the ASXL1 gene, results from a G to T substitution at nucleotide position 3288. The methionine at codon 1096 is replaced by isoleucine, an amino acid with highly similar properties. This amino acid position is conserved. In addition, this alteration is predicted to be tolerated by in silico analysis. Based on the available evidence, the clinical significance of this variant remains unclear.